The following is an entry in ClinVar:

NM_001042750.2(STAG2):c.570_572del (p.Ile191del)

Gene: STAG2 (STAG2 cohesin complex component; plus strand). Cytogenetic location: Xq25.
Variant type: Deletion.
Coding change: c.570_572del on transcript NM_001042750.2 (MANE Select); coding-DNA positions 570 to 572, 3 bases deleted (CAT; older notation c.570_572delCAT).
Protein change: p.Ile191del; deletes isoleucine 191.
Genome position (GRCh38, 1-based): chrX:124,045,271-124,045,273, CAT deleted; deleting any 3 consecutive bases within chrX:124,045,269-124,045,273 gives the same sequence; the c. name uses the placement nearest the transcript's 3' end. VCF-style (leftmost placement, unchanged base first): chrX-124045268-TATC-T. GRCh37 (hg19) VCF-style: chrX-123179118-TATC-T.
Other names: c.570_572del, p.Ile191del (NM_001441083.1, NM_001441084.1, NM_001441085.1 and 23 more transcripts); short protein forms I191del.
Identifiers: ClinVar variation 4888375 (VCV004888375.1).

ClinVar aggregate classification (germline): Likely pathogenic (1 of 4 stars; one submission).

Conditions:
Mullegama-Klein-Martinez syndrome. Also called: NEURODEVELOPMENTAL DISORDER, X-LINKED, WITH CRANIOFACIAL ABNORMALITIES. Identifiers: MedGen C5193008, MONDO:0026722, OMIM 301022.
Holoprosencephaly 13, X-linked. Identifiers: MedGen C5393308, MONDO:0026763, OMIM 301043.

Submission:

New York Genome Center
Classification: Likely pathogenic for Holoprosencephaly 13, X-linked; Mullegama-Klein-Martinez syndrome. Last evaluated: 2024-07-18. Review status: criteria provided, single submitter. Criteria: NYGC Assertion Criteria 2020. Collection method: clinical testing. Allele origin: de novo. Affected: yes. Observed: 1 variant allele, 1 heterozygote.
Comment: The de novo heterozygous c.570_572del variant is an in-frame deletion of three nucleotides in the STAG2 gene that has not previously been reported in literature or variant repositories (ClinVar and HGMD). This variant is absent in the gnomAD v4.1.0 database, suggesting it is not a common benign variant in the populations represented in that database. The c.570_572del variant is located in exon 8 of this 35-exon gene and is predicted to delete an evolutionarily conserved isoleucineamino acid at position 191 (p.(Ile191del)) in the STAG domain of the encoded protein [PMID: 33014403]. Based on available evidence this de novo heterozygous c.570_572del p.(Ile191del) variant identified in STAG2 is classified as a Likely pathogenic.